The following is an entry in ClinVar:

NM_003966.3(SEMA5A):c.2846-8T>C

Gene: SEMA5A (semaphorin 5A; minus strand). Cytogenetic location: 5p15.31.
Variant type: single nucleotide variant.
Coding change: c.2846-8T>C on transcript NM_003966.3 (MANE Select); 8 bases into the intron before coding-DNA position 2846, T replaced by C.
Molecular consequence: intron variant.
Genome position (GRCh38, 1-based): chr5:9,050,465, A>G on the plus strand (T>C on the coding strand, the complement: SEMA5A is on the minus strand). VCF-style: chr5-9050465-A-G. GRCh37 (hg19) VCF-style: chr5-9050577-A-G.
Identifiers: ClinVar variation 777593 (VCV000777593.29), dbSNP rs141409163, ClinGen allele CA3196292.
Genomic context (GRCh38, chr5:9,050,465, plus strand): 5'-CGTACCTCCACACCTTTTCTCTTCTACGCTACTGGATCTTGCCACAGATACTTCTGGAAA[A>G]AGAAAAGTCGAATCACAATGTGTAAAAGGTGTTCAGAAGACAGTCCACATTCATGCTTCA-3'

ClinVar aggregate classification (germline): Benign/Likely benign. Review status: criteria provided, multiple submitters, no conflicts (2 of 4 stars). 3 submissions from 3 submitters: Benign (2); Likely benign (1). Last evaluated 2022-12-01.

Allele frequency attached by ClinVar (database versions not stated): ESP Exome Variant Server 0.00354; 1000 Genomes Project 0.00399; 1000 Genomes Project 30x 0.00406; gnomAD exomes 0.00424 and 0.00523; gnomAD 0.00444 and 0.00472; ExAC 0.00458; TOPMed 0.00470.
gnomAD v4.1: 8,336 of 1,611,948 alleles (0.52%); highest among the groups gnomAD compares: Middle Eastern, 0.86%; 29 homozygotes.

Submissions (3):

CeGaT Center for Human Genetics Tuebingen
Classification: Likely benign. Last evaluated: 2022-12-01. Review status: criteria provided, single submitter. Criteria: CeGaT Center For Human Genetics Tuebingen Variant Classification Criteria Version 2. Collection method: clinical testing. Allele origin: germline. Affected: yes. Observed: 4 variant alleles.
Comment: SEMA5A: BP4, BS2

Labcorp Genetics (formerly Invitae), Labcorp
Classification: Benign. Last evaluated: 2019-12-31. Review status: criteria provided, single submitter. Criteria: Invitae Variant Classification Sherloc (09022015). Collection method: clinical testing. Allele origin: germline.

Breakthrough Genomics
Classification: Benign. Review status: criteria provided, single submitter. Criteria: ACMG Guidelines, 2015. Collection method: not provided. Allele origin: germline. Inheritance: Unknown mechanism. Affected: yes.